The following is an entry in ClinVar:

NM_004415.4(DSP):c.2432T>G (p.Leu811Arg)

Gene: DSP (desmoplakin; plus strand). Cytogenetic location: 6p24.3.
Variant type: single nucleotide variant.
Coding change: c.2432T>G on transcript NM_004415.4 (MANE Select); coding-DNA position 2432, T replaced by G.
Protein change: p.Leu811Arg; replaces leucine 811 with arginine.
Molecular consequence: missense variant.
Genome position (GRCh38, 1-based): chr6:7,574,791, T>G. VCF-style: chr6-7574791-T-G. GRCh37 (hg19) VCF-style: chr6-7575024-T-G.
Other names: c.2432T>G, p.Leu811Arg (NM_001008844.3, NM_001319034.2); short protein forms L811R.
Identifiers: ClinVar variation 1416186 (VCV001416186.8), dbSNP rs869025391, ClinGen allele CA362681309.

ClinVar aggregate classification (germline): Uncertain significance (1 of 4 stars; one submission).

Conditions:
Arrhythmogenic cardiomyopathy with wooly hair and keratoderma. Also called: PALMOPLANTAR KERATODERMA WITH LEFT VENTRICULAR CARDIOMYOPATHY AND WOOLLY HAIR; Carvajal syndrome; Dilated cardiomyopathy with woolly hair and keratoderma; Arrhythmogenic cardiomyopathy with woolly hair and keratoderma. Identifiers: Orphanet 65282, MedGen C1854063, MONDO:0011581, OMIM 605676.
Arrhythmogenic right ventricular dysplasia 8 (ARVD8). Also called: ARRHYTHMOGENIC RIGHT VENTRICULAR CARDIOMYOPATHY 8; ARRHYTHMOGENIC RIGHT VENTRICULAR DYSPLASIA, FAMILIAL, 8; Arrhythmogenic Right Ventricular Dysplasia/Cardiomyopathy 8. Identifiers: MedGen C1843896, MONDO:0011831, OMIM 607450.

gnomAD v4.1: 1 of 1,614,176 alleles (0.000062%); highest among the groups gnomAD compares: Non-Finnish European, 0.000085%; no homozygotes.

Submission:

Labcorp Genetics (formerly Invitae), Labcorp
Classification: Uncertain significance for Arrhythmogenic cardiomyopathy with wooly hair and keratoderma; Arrhythmogenic right ventricular dysplasia 8. Last evaluated: 2022-03-08. Review status: criteria provided, single submitter. Criteria: Invitae Variant Classification Sherloc (09022015). Collection method: clinical testing. Allele origin: germline.
Comment: Algorithms developed to predict the effect of missense changes on protein structure and function (SIFT, PolyPhen-2, Align-GVGD) all suggest that this variant is likely to be disruptive. In summary, the available evidence is currently insufficient to determine the role of this variant in disease. Therefore, it has been classified as a Variant of Uncertain Significance. This variant has not been reported in the literature in individuals affected with DSP-related conditions. This sequence change replaces leucine, which is neutral and non-polar, with arginine, which is basic and polar, at codon 811 of the DSP protein (p.Leu811Arg). This variant is not present in population databases (gnomAD no frequency).